The following is an entry in ClinVar:

NM_019066.5(MAGEL2):c.1120G>T (p.Gly374Ter)

Gene: MAGEL2 (MAGE family member L2; minus strand). Cytogenetic location: 15q11.2.
Variant type: single nucleotide variant.
Coding change: c.1120G>T on transcript NM_019066.5 (MANE Select); coding-DNA position 1120, G replaced by T.
Protein change: p.Gly374Ter; replaces glycine 374 with a stop codon.
Molecular consequence: nonsense.
Genome position (GRCh38, 1-based): chr15:23,646,623, C>A on the plus strand (G>T on the coding strand, the complement: MAGEL2 is on the minus strand). VCF-style: chr15-23646623-C-A. GRCh37 (hg19) VCF-style: chr15-23891770-C-A.
Other names: short protein forms G374*.
Identifiers: ClinVar variation 3346547 (VCV003346547.1).

ClinVar aggregate classification (germline): Likely pathogenic (0 of 4 stars; one submission).

Conditions:
MAGEL2-related disorder. Also called: MAGEL2-related condition.

Submission:

PreventionGenetics, part of Exact Sciences
Classification: Likely pathogenic for MAGEL2-related condition. Last evaluated: 2024-09-16. Review status: no assertion criteria provided. Collection method: clinical testing. Allele origin: germline.
Comment: The MAGEL2 c.1120G>T variant is predicted to result in premature protein termination (p.Gly374*). To our knowledge, this variant has not been reported in the literature or in a large population database, indicating this variant is rare. Loss-of-function variants located both upstream and downstream of this variant have been reported as causative (Human Gene Mutation Database). Nonsense variants in MAGEL2 are expected to be pathogenic. This variant is interpreted as likely pathogenic.